The following is an entry in ClinVar:

NM_024675.4(PALB2):c.3019A>T (p.Met1007Leu)

Gene: PALB2 (partner and localizer of BRCA2; minus strand). Cytogenetic location: 16p12.2.
Variant type: single nucleotide variant.
Coding change: c.3019A>T on transcript NM_024675.4 (MANE Select); coding-DNA position 3019, A replaced by T.
Protein change: p.Met1007Leu; replaces methionine 1007 with leucine.
Molecular consequence: missense variant. On other transcripts: intron variant (1).
Genome position (GRCh38, 1-based): chr16:23,621,456, T>A on the plus strand (A>T on the coding strand, the complement: PALB2 is on the minus strand). VCF-style: chr16-23621456-T-A. GRCh37 (hg19) VCF-style: chr16-23632777-T-A.
Other names: c.2959A>T, p.Met987Leu (NM_001407296.1); c.2947A>T, p.Met983Leu (NM_001407297.1); c.2857A>T, p.Met953Leu (NM_001407298.1, NM_001407302.1); c.3019A>T, p.Met1007Leu (NM_001407299.1, NM_001407301.1); c.2134A>T, p.Met712Leu (NM_001407304.1, NM_001407305.1, NM_001407306.1 and 4 more transcripts); c.1972A>T, p.Met658Leu (NM_001407307.1); c.1231A>T, p.Met411Leu (NM_001407312.1, NM_001407313.1); c.553A>T, p.Met185Leu (NM_001407314.1); and 1 more; short protein forms M1007L, M658L, M983L, M712L, M953L, M185L, M411L, M987L.
Identifiers: ClinVar variation 3010965 (VCV003010965.3), dbSNP rs2142328121, ClinGen allele CA395143135.

ClinVar aggregate classification (germline): Uncertain significance (1 of 4 stars; one submission).

Conditions:
Familial cancer of breast. Also called: hereditary breast carcinoma; Hereditary breast cancer; BREAST CANCER, FAMILIAL. Identifiers: Orphanet 227535, MedGen C0346153, MONDO:0016419, OMIM 114480. Disease mechanism: loss of function.

Submission:

Labcorp Genetics (formerly Invitae), Labcorp
Classification: Uncertain significance for Familial cancer of breast. Last evaluated: 2023-03-20. Review status: criteria provided, single submitter. Criteria: Invitae Variant Classification Sherloc (09022015). Collection method: clinical testing. Allele origin: germline.
Comment: In summary, the available evidence is currently insufficient to determine the role of this variant in disease. Therefore, it has been classified as a Variant of Uncertain Significance. This sequence change replaces methionine, which is neutral and non-polar, with leucine, which is neutral and non-polar, at codon 1007 of the PALB2 protein (p.Met1007Leu). This variant is not present in population databases (gnomAD no frequency). This variant has not been reported in the literature in individuals affected with PALB2-related conditions. Advanced modeling of protein sequence and biophysical properties (such as structural, functional, and spatial information, amino acid conservation, physicochemical variation, residue mobility, and thermodynamic stability) performed at Invitae indicates that this missense variant is expected to disrupt PALB2 protein function.